The following is an entry in ClinVar:

ClinVar aggregate classification (germline): Uncertain significance (1 of 4 stars; one submission).

Conditions:
Glycogen storage disease, type V (GSD5). Also called: McArdle type glycogen storage disease; MCARDLE DISEASE; MUSCLE GLYCOGEN PHOSPHORYLASE DEFICIENCY; MYOPHOSPHORYLASE DEFICIENCY; PYGM DEFICIENCY. Identifiers: Orphanet 368, MedGen C0017924, MONDO:0009293, OMIM 232600.

Submission:

Labcorp Genetics (formerly Invitae), Labcorp
Classification: Uncertain significance for Glycogen storage disease, type V. Last evaluated: 2022-08-06. Review status: criteria provided, single submitter. Criteria: Invitae Variant Classification Sherloc (09022015). Collection method: clinical testing. Allele origin: germline.
Comment: In summary, the available evidence is currently insufficient to determine the role of this variant in disease. Therefore, it has been classified as a Variant of Uncertain Significance. This variant disrupts a region of the PYGM protein in which other variant(s) (p.Arg70Cys) have been observed in individuals with PYGM-related conditions (PMID: 29143597). This suggests that this is a clinically significant region of the protein, and that variants that disrupt it are likely to be disease-causing. Experimental studies and prediction algorithms are not available or were not evaluated, and the functional significance of this variant is currently unknown. This variant has not been reported in the literature in individuals affected with PYGM-related conditions. This variant is not present in population databases (gnomAD no frequency). This variant, c.208_210del, results in the deletion of 1 amino acid(s) of the PYGM protein (p.Arg70del), but otherwise preserves the integrity of the reading frame.

Literature cited by the submitters: PubMed 29143597.

NM_005609.4(PYGM):c.208_210del (p.Arg70del)

Gene: PYGM (glycogen phosphorylase, muscle associated; minus strand). Cytogenetic location: 11q13.1.
Variant type: Deletion.
Coding change: c.208_210del on transcript NM_005609.4 (MANE Select); coding-DNA positions 208 to 210, 3 bases deleted (CGC; older notation c.208_210delCGC).
Protein change: p.Arg70del; deletes arginine 70.
Molecular consequence: inframe deletion.
Genome position (GRCh38, 1-based): chr11:64,759,689-64,759,691, GCG deleted on the plus strand (CGC on the coding strand, the reverse complement: PYGM is on the minus strand); deleting any 3 consecutive bases within chr11:64,759,689-64,759,692 gives the same sequence; the c. name uses the placement nearest the transcript's 3' end. VCF-style (leftmost placement, unchanged base first): chr11-64759688-TGCG-T. GRCh37 (hg19) VCF-style: chr11-64527160-TGCG-T.
Other names: c.208_210del, p.Arg70del (NM_001164716.1); short protein forms R70del.
Identifiers: ClinVar variation 1912740 (VCV001912740.5), dbSNP rs2496674944, ClinGen allele CA2580084888.